The following is an entry in ClinVar:

NM_001042492.3(NF1):c.2890del (p.Thr964fs)

Gene: NF1 (neurofibromin 1; plus strand). Cytogenetic location: 17q11.2.
Variant type: Deletion.
Coding change: c.2890del on transcript NM_001042492.3 (MANE Select); coding-DNA position 2890, one base deleted (A; older notation c.2890delA).
Protein change: p.Thr964fs; shifts the reading frame from threonine 964.
Molecular consequence: frameshift variant.
Genome position (GRCh38, 1-based): chr17:31,229,874, A deleted; the last of 3 consecutive A bases (chr17:31,229,872-31,229,874); deleting any one gives the same sequence. VCF-style (leftmost placement, unchanged base first): chr17-31229871-CA-C. GRCh37 (hg19) VCF-style: chr17-29556889-CA-C.
Other names: c.2890delA (NM_000267.3); c.2890delA, p.Thr964Profs (NM_000267.4); short protein forms T964fs.
Identifiers: ClinVar variation 451156 (VCV000451156.9), dbSNP rs1555614437, ClinGen allele CA658656548.

ClinVar aggregate classification (germline): Pathogenic. Review status: criteria provided, multiple submitters, no conflicts (2 of 4 stars). 3 submissions from 3 submitters: Pathogenic (3). Last evaluated 2025-10-07.

Conditions:
Neurofibromatosis, type 1 (NF1). Also called: VON RECKLINGHAUSEN DISEASE; NEUROFIBROMATOSIS, TYPE I, SOMATIC; Neurofibromatosis, type I; Peripheral type neurofibromatosis. Identifiers: Orphanet 636, MedGen C0027831, MONDO:0018975, OMIM 162200. Disease mechanism: loss of function.

Submissions (3):

Labcorp Genetics (formerly Invitae), Labcorp
Classification: Pathogenic for Neurofibromatosis, type 1. Last evaluated: 2025-10-07. Review status: criteria provided, single submitter. Criteria: Invitae Variant Classification Sherloc (09022015). Collection method: clinical testing. Allele origin: germline.
Comment: This sequence change creates a premature translational stop signal (p.Thr964Profs*2) in the NF1 gene. It is expected to result in an absent or disrupted protein product. Loss-of-function variants in NF1 are known to be pathogenic (PMID: 10712197, 23913538). This variant is not present in population databases (gnomAD no frequency). This variant has not been reported in the literature in individuals affected with NF1-related conditions. ClinVar contains an entry for this variant (Variation ID: 451156). For these reasons, this variant has been classified as Pathogenic.

Genome-Nilou Lab
Classification: Pathogenic for Neurofibromatosis, type 1. Last evaluated: 2022-03-15. Review status: criteria provided, single submitter. Criteria: ACMG Guidelines, 2015. Collection method: clinical testing. Allele origin: germline. Affected: no.

GeneDx
Classification: Pathogenic. Last evaluated: 2017-08-08. Review status: criteria provided, single submitter. Criteria: GeneDx Variant Classification (06012015). Collection method: clinical testing. Allele origin: germline. Affected: yes.
Comment: The c.2890delA variant has not been published as a pathogenic variant, nor has it been reported as a benign variant to our knowledge. The variant causes a frameshift starting with codon Threonine 964, changes this amino acid to a Proline residue and creates a premature Stop codon at position 2 of the new reading frame, denoted p.Thr964ProfsX2. This variant is predicted to cause loss of normal protein function either through protein truncation or nonsense-mediated mRNA decay. The variant is not observed in large population cohorts (Lek et al., 2016; 1000 Genomes Consortium et al., 2015; Exome Variant Server). In summary, we consider this variant to be pathogenic.

Literature cited by the submitters: PubMed 10712197 (cited by Labcorp Genetics (formerly Invitae), Labcorp); PubMed 23913538 (cited by Labcorp Genetics (formerly Invitae), Labcorp).